The following is an entry in ClinVar:

ClinVar aggregate classification (germline): Uncertain significance (1 of 4 stars; one submission).

Allele frequency attached by ClinVar (database versions not stated): gnomAD exomes 0.00001; ExAC 0.00002; gnomAD 0.00002; TOPMed 0.00003.
gnomAD v4.1: 21 of 1,613,928 alleles (0.0013%); highest among the groups gnomAD compares: African/African-American, 0.004%; no homozygotes.

Submission:

Labcorp Genetics (formerly Invitae), Labcorp
Classification: Uncertain significance. Last evaluated: 2022-01-12. Review status: criteria provided, single submitter. Criteria: Invitae Variant Classification Sherloc (09022015). Collection method: clinical testing. Allele origin: germline.
Comment: This sequence change replaces arginine, which is basic and polar, with tryptophan, which is neutral and slightly polar, at codon 124 of the TALDO1 protein (p.Arg124Trp). This variant is present in population databases (rs750723154, gnomAD 0.04%). This variant has not been reported in the literature in individuals affected with TALDO1-related conditions. Algorithms developed to predict the effect of missense changes on protein structure and function are either unavailable or do not agree on the potential impact of this missense change (SIFT: "Deleterious"; PolyPhen-2: "Possibly Damaging"; Align-GVGD: "Class C0"). Algorithms developed to predict the effect of sequence changes on RNA splicing suggest that this variant may create or strengthen a splice site. In summary, the available evidence is currently insufficient to determine the role of this variant in disease. Therefore, it has been classified as a Variant of Uncertain Significance.

NM_006755.2(TALDO1):c.370C>T (p.Arg124Trp)

Gene: TALDO1 (transaldolase 1; plus strand). Cytogenetic location: 11p15.5.
Variant type: single nucleotide variant.
Coding change: c.370C>T on transcript NM_006755.2 (MANE Select); coding-DNA position 370, C replaced by T.
Protein change: p.Arg124Trp; replaces arginine 124 with tryptophan.
Molecular consequence: missense variant.
Genome position (GRCh38, 1-based): chr11:760,162, C>T. VCF-style: chr11-760162-C-T. GRCh37 (hg19) VCF-style: chr11-760162-C-T.
Other names: short protein forms R124W.
Identifiers: ClinVar variation 2200701 (VCV002200701.3), dbSNP rs750723154, ClinGen allele CA5788120.